The following is an entry in ClinVar:

NM_000535.7(PMS2):c.836G>T (p.Gly279Val)

Gene: PMS2 (PMS1 homolog 2, mismatch repair system component; minus strand). Cytogenetic location: 7p22.1.
Variant type: single nucleotide variant.
Coding change: c.836G>T on transcript NM_000535.7 (MANE Select); coding-DNA position 836, G replaced by T.
Protein change: p.Gly279Val; replaces glycine 279 with valine.
Molecular consequence: missense variant. On other transcripts: 5 prime UTR variant (2), non-coding transcript variant (1).
Genome position (GRCh38, 1-based): chr7:5,995,601, C>A on the plus strand (G>T on the coding strand, the complement: PMS2 is on the minus strand). VCF-style: chr7-5995601-C-A. GRCh37 (hg19) VCF-style: chr7-6035232-C-A.
Other names: p.G279V:GGA>GTA; c.431G>T, p.Gly144Val (NM_001322003.2, NM_001322004.2, NM_001322005.2 and 2 more transcripts); c.836G>T, p.Gly279Val (NM_001322006.2, NM_001322014.2); c.518G>T, p.Gly173Val (NM_001322007.2, NM_001322008.2); c.-98G>T (NM_001322011.2, NM_001322012.2); c.263G>T, p.Gly88Val (NM_001322013.2); c.527G>T, p.Gly176Val (NM_001322015.2); short protein forms G279V, G144V, G88V, G176V, G173V.
Identifiers: ClinVar variation 142718 (VCV000142718.20), dbSNP rs587782668, ClinGen allele CA012989.

ClinVar aggregate classification (germline): Conflicting classifications of pathogenicity. Review status: criteria provided, conflicting classifications (1 of 4 stars). 4 submissions from 4 submitters: Uncertain significance (3); Likely benign (1). Last evaluated 2025-11-23.

Conditions:
Hereditary nonpolyposis colorectal neoplasms. Identifiers: MedGen C0009405, MeSH D003123.
Hereditary cancer-predisposing syndrome. Also called: Hereditary Cancer Syndrome; Neoplastic Syndromes, Hereditary; Hereditary neoplastic syndrome; Tumor predisposition. Identifiers: Orphanet 140162, MedGen C0027672, MeSH D009386, MONDO:0015356.
Lynch syndrome 4 (LYNCH4). Also called: Colorectal cancer, hereditary nonpolyposis, type 4; Hereditary non-polyposis colorectal cancer, type 4. Identifiers: Orphanet 144, MedGen C1838333, MONDO:0013699, OMIM 614337. Disease mechanism: loss of function.

Allele frequency attached by ClinVar (database versions not stated): gnomAD exomes below 0.00001.

Submissions (4):

Labcorp Genetics (formerly Invitae), Labcorp
Classification: Uncertain significance for Hereditary nonpolyposis colorectal neoplasms. Last evaluated: 2025-11-23. Review status: criteria provided, single submitter. Criteria: Invitae Variant Classification Sherloc (09022015). Collection method: clinical testing. Allele origin: germline.
Comment: This sequence change replaces glycine, which is neutral and non-polar, with valine, which is neutral and non-polar, at codon 279 of the PMS2 protein (p.Gly279Val). This variant is not present in population databases (gnomAD no frequency). This variant has not been reported in the literature in individuals affected with PMS2-related conditions. ClinVar contains an entry for this variant (Variation ID: 142718). Invitae Evidence Modeling of protein sequence and biophysical properties (such as structural, functional, and spatial information, amino acid conservation, physicochemical variation, residue mobility, and thermodynamic stability) indicates that this missense variant is expected to disrupt PMS2 protein function with a positive predictive value of 80%. Algorithms developed to predict the effect of sequence changes on RNA splicing suggest that this variant may disrupt the consensus splice site. In summary, the available evidence is currently insufficient to determine the role of this variant in disease. Therefore, it has been classified as a Variant of Uncertain Significance.

Ambry Genetics
Classification: Uncertain significance for Hereditary cancer-predisposing syndrome. Last evaluated: 2025-10-02. Review status: criteria provided, single submitter. Criteria: Ambry Variant Classification Scheme 2023. Collection method: clinical testing. Allele origin: germline.
Comment: The p.G279V variant (also known as c.836G>T), located in coding exon 8 of the PMS2 gene, results from a G to T substitution at nucleotide position 836. The glycine at codon 279 is replaced by valine, an amino acid with dissimilar properties. This amino acid position is highly conserved in available vertebrate species. In silico splice site analysis predicts that this alteration may weaken the native splice acceptor site. RNA studies have demonstrated that this alteration does not result in abnormal splicing in the set of samples tested (Ambry internal data). In addition, this alteration is predicted to be deleterious by in silico analysis. Based on the available evidence, the clinical significance of this variant remains unclear.

Myriad Genetics, Inc.
Classification: Likely benign for Lynch syndrome 4. Last evaluated: 2025-01-28. Review status: criteria provided, single submitter. Criteria: Myriad Autosomal Dominant, Autosomal Recessive and X-Linked Classification Criteria (2023). Collection method: clinical testing. Allele origin: unknown.
Comment: This variant is considered likely benign. This variant has been observed in trans with a known pathogenic variant in one or more individuals lacking clinical features consistent with gene-specific recessive disease.

GeneDx
Classification: Uncertain significance. Last evaluated: 2020-08-20. Review status: criteria provided, single submitter. Criteria: GeneDx Variant Classification Process June 2021. Collection method: clinical testing. Allele origin: germline. Affected: yes.
Comment: Not observed in large population cohorts (Lek 2016); In silico analysis supports that this missense variant has a deleterious effect on protein structure/function; Has not been previously published as pathogenic or benign to our knowledge